The following is an entry in ClinVar:

NM_001040142.2(SCN2A):c.3445G>A (p.Gly1149Arg)

Gene: SCN2A (sodium voltage-gated channel alpha subunit 2; plus strand). Cytogenetic location: 2q24.3.
Variant type: single nucleotide variant.
Coding change: c.3445G>A on transcript NM_001040142.2 (MANE Select); coding-DNA position 3445, G replaced by A.
Protein change: p.Gly1149Arg; replaces glycine 1149 with arginine.
Molecular consequence: missense variant.
Genome position (GRCh38, 1-based): chr2:165,365,188, G>A. VCF-style: chr2-165365188-G-A. GRCh37 (hg19) VCF-style: chr2-166221698-G-A.
Other names: c.3445G>A, p.Gly1149Arg (NM_001040143.2, NM_001371246.1, NM_001371247.1 and 1 more transcripts); short protein forms G1149R.
Identifiers: ClinVar variation 2922860 (VCV002922860.3), dbSNP rs1553588962, ClinGen allele CA349024605.

ClinVar aggregate classification (germline): Uncertain significance (1 of 4 stars; one submission).

Conditions:
Developmental and epileptic encephalopathy, 11 (DEE11). Also called: Early infantile epileptic encephalopathy 11. Identifiers: Orphanet 1934, MedGen C3150987, MONDO:0013388, OMIM 613721.
Seizures, benign familial infantile, 3 (BFIS3). Also called: Familial neonatal seizures; CONVULSIONS, BENIGN FAMILIAL INFANTILE, 3. Identifiers: Orphanet 140927, Orphanet 306, MedGen C1843140, MONDO:0011904, OMIM 607745.

Allele frequency attached by ClinVar (database versions not stated): TOPMed below 0.00001; gnomAD 0.00001; gnomAD exomes 0.00001.
gnomAD v4.1: 15 of 1,613,648 alleles (0.00093%); highest among the groups gnomAD compares: Non-Finnish European, 0.0013%; no homozygotes.

Submission:

Labcorp Genetics (formerly Invitae), Labcorp
Classification: Uncertain significance for Seizures, benign familial infantile, 3; Developmental and epileptic encephalopathy, 11. Last evaluated: 2023-01-05. Review status: criteria provided, single submitter. Criteria: Invitae Variant Classification Sherloc (09022015). Collection method: clinical testing. Allele origin: germline.
Comment: In summary, the available evidence is currently insufficient to determine the role of this variant in disease. Therefore, it has been classified as a Variant of Uncertain Significance. Advanced modeling of protein sequence and biophysical properties (such as structural, functional, and spatial information, amino acid conservation, physicochemical variation, residue mobility, and thermodynamic stability) performed at Invitae indicates that this missense variant is not expected to disrupt SCN2A protein function. This variant has not been reported in the literature in individuals affected with SCN2A-related conditions. This variant is not present in population databases (gnomAD no frequency). This sequence change replaces glycine, which is neutral and non-polar, with arginine, which is basic and polar, at codon 1149 of the SCN2A protein (p.Gly1149Arg).